The following is an entry in ClinVar:

ClinVar aggregate classification (germline): Uncertain significance (1 of 4 stars; one submission).

Conditions:
Joubert syndrome 16 (JBTS16). Identifiers: Orphanet 2318, MedGen C3280906, MONDO:0013764, OMIM 614465.

Submission:

Labcorp Genetics (formerly Invitae), Labcorp
Classification: Uncertain significance for Joubert syndrome 16. Last evaluated: 2022-09-06. Review status: criteria provided, single submitter. Criteria: Invitae Variant Classification Sherloc (09022015). Collection method: clinical testing. Allele origin: germline.
Comment: This sequence change replaces glutamine, which is neutral and polar, with glutamic acid, which is acidic and polar, at codon 67 of the TMEM138 protein (p.Gln67Glu). This variant is not present in population databases (gnomAD no frequency). This variant has not been reported in the literature in individuals affected with TMEM138-related conditions. Algorithms developed to predict the effect of missense changes on protein structure and function (SIFT, PolyPhen-2, Align-GVGD) all suggest that this variant is likely to be disruptive. Algorithms developed to predict the effect of sequence changes on RNA splicing suggest that this variant may disrupt the consensus splice site. In summary, the available evidence is currently insufficient to determine the role of this variant in disease. Therefore, it has been classified as a Variant of Uncertain Significance.

NM_016464.5(TMEM138):c.199C>G (p.Gln67Glu)

Gene: TMEM138 (transmembrane protein 138; plus strand). Cytogenetic location: 11q12.2.
Variant type: single nucleotide variant.
Coding change: c.199C>G on transcript NM_016464.5 (MANE Select); coding-DNA position 199, C replaced by G.
Protein change: p.Gln67Glu; replaces glutamine 67 with glutamic acid.
Molecular consequence: missense variant. On other transcripts: non-coding transcript variant (1).
Genome position (GRCh38, 1-based): chr11:61,366,115, C>G. VCF-style: chr11-61366115-C-G. GRCh37 (hg19) VCF-style: chr11-61133587-C-G.
Other names: c.25C>G, p.Gln9Glu (NM_001330281.2); c.199C>G, p.Gln67Glu (NM_001410997.1, NM_001410998.1, NM_001410999.1); short protein forms Q67E, Q9E.
Identifiers: ClinVar variation 2132403 (VCV002132403.4), dbSNP rs2539865589, ClinGen allele CA380678944.